The following is an entry in ClinVar:

ClinVar aggregate classification (germline): not provided. Review status: no classification provided (0 of 4 stars). 3 submissions from 1 submitter: not provided (3).

Conditions:
Normal pregnancy. Identifiers: MedGen C0232989.
Large for gestational age. Identifiers: MedGen C1848395, HP:0001520.
Gestational diabetes mellitus uncontrolled. Identifiers: MedGen C3532257.

Submissions (3):

Institute of Molecular and Cell Biology, University of Tartu
No classification provided. Condition: Large for gestational age. Review status: no classification provided. Collection method: case-control. Allele origin: unknown. Affected: yes. Study: Kasak2014.
Comment: The study aimed to determine the contribution of copy number variants in the genetic etiology of normal and complicated pregnancies. The samples represented (i) maternal blood DNA drawn from healthy pregnant women during 1st or 2nd trimester and (ii) maternal and paternal blood DNA drawn at term pregnancy cases representing normal and complicated gestations (severe preeclampsia, PE; gestational diabetes, GD; small-for-gestational age newborn, SGA; large-for-gestational age newborn, LGA). We performed CNV calling based on genome-wide genotyping dataset (Illumina HumanOmniExpress-24-v1 BeadChip) by applying three algorithms, QuantiSNP, GADA (Genome Alteration Detection Algorithm) and CNstream in parallel. The acquired CNV calls were merged with HD-CNV (Hotspot Detector for Copy Number Variants) program and only the CNVs predicted by at least two programs, were considered in subsequent analysis.

Institute of Molecular and Cell Biology, University of Tartu
No classification provided. Condition: Gestational diabetes mellitus uncontrolled. Review status: no classification provided. Collection method: case-control. Allele origin: unknown. Affected: yes. Study: Kasak2014.
Comment: the same text as in the submission from Institute of Molecular and Cell Biology, University of Tartu above.

Institute of Molecular and Cell Biology, University of Tartu
No classification provided. Condition: Normal pregnancy. Review status: no classification provided. Collection method: case-control. Allele origin: unknown. Affected: yes. Study: Kasak2014.
Comment: the same text as in the submission from Institute of Molecular and Cell Biology, University of Tartu above.

Literature cited by the submitters: PubMed 25666259.

Single allele

Variant type: Deletion.
Identifiers: ClinVar variation 157175 (VCV000157175.2).